The following is an entry in ClinVar:

ClinVar aggregate classification (germline): Uncertain significance (1 of 4 stars; one submission).

gnomAD v4.1: 1 of 1,612,736 alleles (0.000062%); highest among the groups gnomAD compares: East Asian, 0.0022%; no homozygotes.

Submission:

Labcorp Genetics (formerly Invitae), Labcorp
Classification: Uncertain significance. Last evaluated: 2025-04-21. Review status: criteria provided, single submitter. Criteria: Invitae Variant Classification Sherloc (09022015). Collection method: clinical testing. Allele origin: germline.
Comment: This sequence change replaces valine, which is neutral and non-polar, with leucine, which is neutral and non-polar, at codon 317 of the LBR protein (p.Val317Leu). This variant is present in population databases (no rsID available, gnomAD 0.006%). This variant has not been reported in the literature in individuals affected with LBR-related conditions. Invitae Evidence Modeling of protein sequence and biophysical properties (such as structural, functional, and spatial information, amino acid conservation, physicochemical variation, residue mobility, and thermodynamic stability) indicates that this missense variant is not expected to disrupt LBR protein function with a negative predictive value of 80%. In summary, the available evidence is currently insufficient to determine the role of this variant in disease. Therefore, it has been classified as a Variant of Uncertain Significance.

NM_002296.4(LBR):c.949G>C (p.Val317Leu)

Gene: LBR (lamin B receptor; minus strand). Cytogenetic location: 1q42.12.
Variant type: single nucleotide variant.
Coding change: c.949G>C on transcript NM_002296.4 (MANE Select); coding-DNA position 949, G replaced by C.
Protein change: p.Val317Leu; replaces valine 317 with leucine.
Molecular consequence: missense variant.
Genome position (GRCh38, 1-based): chr1:225,412,589, C>G on the plus strand (G>C on the coding strand, the complement: LBR is on the minus strand). VCF-style: chr1-225412589-C-G. GRCh37 (hg19) VCF-style: chr1-225600291-C-G.
Other names: c.949G>C, p.Val317Leu (NM_194442.3); short protein forms V317L.
Identifiers: ClinVar variation 4761726 (VCV004761726.1).